The following is an entry in ClinVar:

NM_001161352.2(KCNMA1):c.3026C>T (p.Thr1009Ile)

Genes: KCNMA1 (potassium calcium-activated channel subfamily M alpha 1; minus strand), KCNMA1-AS1 (KCNMA1 antisense RNA 1; plus strand). Cytogenetic location: 10q22.3.
Variant type: single nucleotide variant.
Coding change: c.3026C>T on transcript NM_001161352.2 (MANE Select); coding-DNA position 3026, C replaced by T.
Protein change: p.Thr1009Ile; replaces threonine 1009 with isoleucine.
Molecular consequence: missense variant.
Genome position (GRCh38, 1-based): chr10:76,910,087, G>A on the plus strand (C>T on the coding strand, the complement: KCNMA1 is on the minus strand). VCF-style: chr10-76910087-G-A. GRCh37 (hg19) VCF-style: chr10-78669845-G-A.
Other names: c.2864C>T, p.Thr955Ile (NM_001014797.3); c.2975C>T, p.Thr992Ile (NM_001161353.2); c.2702C>T, p.Thr901Ile (NM_001271518.2); c.2942C>T, p.Thr981Ile (NM_001271519.2); c.2861C>T, p.Thr954Ile (NM_001322829.2, NM_001322836.2); c.2954C>T, p.Thr985Ile (NM_001322830.2); c.2852C>T, p.Thr951Ile (NM_001322832.2, NM_001410940.1, NM_002247.4); c.2945C>T, p.Thr982Ile (NM_001322835.2, NM_001322837.2); and 1 more; short protein forms T1009I, T800I, T901I, T951I, T954I, T955I, T981I, T982I.
Identifiers: ClinVar variation 4072730 (VCV004072730.1).

ClinVar aggregate classification (germline): Uncertain significance (1 of 4 stars; one submission).

Submission:

GeneDx
Classification: Uncertain significance. Last evaluated: 2025-02-02. Review status: criteria provided, single submitter. Criteria: GeneDx Variant Classification Process June 2021. Collection method: clinical testing. Allele origin: germline. Affected: yes.
Comment: Not observed at significant frequency in large population cohorts (gnomAD); In silico analysis supports that this missense variant has a deleterious effect on protein structure/function; Has not been previously published as pathogenic or benign to our knowledge